The following is an entry in ClinVar:

ClinVar aggregate classification (germline): Uncertain significance. Review status: criteria provided, multiple submitters, no conflicts (2 of 4 stars). 4 submissions from 4 submitters: Uncertain significance (3). 1 of the submissions does not count toward it. Last evaluated 2025-06-27.

Conditions:
Hereditary cancer-predisposing syndrome. Also called: Neoplastic Syndromes, Hereditary; Hereditary neoplastic syndrome; Hereditary Cancer Syndrome; Tumor predisposition. Identifiers: Orphanet 140162, MedGen C0027672, MeSH D009386, MONDO:0015356.
Prostate cancer. Also called: Malignant tumor of prostate. Identifiers: Orphanet 1331, MedGen C0376358, MONDO:0008315, HP:0012125.

Allele frequency attached by ClinVar (database versions not stated): TOPMed below 0.00001; ExAC 0.00002; gnomAD 0.00001; gnomAD exomes 0.00001.

Submissions (4):

Ambry Genetics
Classification: Uncertain significance for Hereditary cancer-predisposing syndrome. Last evaluated: 2025-06-27. Review status: criteria provided, single submitter. Criteria: Ambry Variant Classification Scheme 2023. Collection method: clinical testing. Allele origin: germline.
Comment: The p.I505V variant (also known as c.1513A>G), located in coding exon 10 of the RAD50 gene, results from an A to G substitution at nucleotide position 1513. The isoleucine at codon 505 is replaced by valine, an amino acid with highly similar properties. This amino acid position is not well conserved in available vertebrate species. In addition, this alteration is predicted to be tolerated by in silico analysis. Since supporting evidence is limited at this time, the clinical significance of this alteration remains unclear.

Labcorp Genetics (formerly Invitae), Labcorp
Classification: Uncertain significance for Hereditary cancer-predisposing syndrome. Last evaluated: 2024-03-06. Review status: criteria provided, single submitter. Criteria: Invitae Variant Classification Sherloc (09022015). Collection method: clinical testing. Allele origin: germline.
Comment: This sequence change replaces isoleucine, which is neutral and non-polar, with valine, which is neutral and non-polar, at codon 505 of the RAD50 protein (p.Ile505Val). This variant is present in population databases (rs193921012, gnomAD 0.003%). This variant has not been reported in the literature in individuals affected with RAD50-related conditions. ClinVar contains an entry for this variant (Variation ID: 161640). Advanced modeling of protein sequence and biophysical properties (such as structural, functional, and spatial information, amino acid conservation, physicochemical variation, residue mobility, and thermodynamic stability) performed at Invitae indicates that this missense variant is not expected to disrupt RAD50 protein function with a negative predictive value of 80%. RNA analysis performed to evaluate the impact of this missense change on mRNA splicing indicates it does not significantly alter splicing (Invitae). In summary, the available evidence is currently insufficient to determine the role of this variant in disease. Therefore, it has been classified as a Variant of Uncertain Significance.

Quest Diagnostics Nichols Institute San Juan Capistrano
Classification: Uncertain significance. Last evaluated: 2023-07-07. Review status: criteria provided, single submitter. Criteria: Quest Diagnostics criteria. Collection method: clinical testing. Allele origin: unknown.
Comment: This variant has not been reported in the germline of individuals affected with a RAD50 related disease in the published literature. The frequency of this variant in the general population, 0.000008 (2/250876 chromosomes (Genome Aggregation Database)), is uninformative in the assessment of its pathogenicity. Analysis of this variant using bioinformatics tools for the prediction of the effect of amino acid changes on protein structure and function yielded predictions that this variant is benign. Additional analysis using software algorithms for the prediction of the effect of nucleotide changes on RAD50 mRNA splicing yielded predictions that this variant may result in the gain of a cryptic splice site without affecting the natural splice sites . Based on the available information, we are unable to determine the clinical significance of this variant.

Science for Life laboratory,  Karolinska Institutet
Classification: Uncertain significance for Malignant tumor of prostate. Review status: no assertion criteria provided. Collection method: not provided. Allele origin: somatic. Not counted in ClinVar's aggregate classification.
Comment: TumorID:SWE-5
ClinVar note: Converted during submission from Unknown to Uncertain significance.

Literature cited by the submitters: PubMed 33339169 (cited by Quest Diagnostics Nichols Institute San Juan Capistrano).

NM_005732.4(RAD50):c.1513A>G (p.Ile505Val)

Gene: RAD50 (RAD50 double strand break repair protein; plus strand). Cytogenetic location: 5q31.1.
Variant type: single nucleotide variant.
Coding change: c.1513A>G on transcript NM_005732.4 (MANE Select); coding-DNA position 1513, A replaced by G.
Protein change: p.Ile505Val; replaces isoleucine 505 with valine.
Molecular consequence: missense variant.
Genome position (GRCh38, 1-based): chr5:132,591,284, A>G. VCF-style: chr5-132591284-A-G. GRCh37 (hg19) VCF-style: chr5-131926976-A-G.
Other names: short protein forms I505V.
Identifiers: ClinVar variation 161640 (VCV000161640.16), dbSNP rs193921012, ClinGen allele CA174512.